The following is an entry in ClinVar:

ClinVar aggregate classification (germline): Conflicting classifications of pathogenicity. Review status: criteria provided, conflicting classifications (1 of 4 stars). 4 submissions from 4 submitters: Uncertain significance (1); Likely benign (3). Last evaluated 2025-09-09.

Conditions:
HSPD1-related disorder. Also called: HSPD1-related condition.
Spastic paraplegia. Identifiers: MedGen C0037772, HP:0001258.

Allele frequency attached by ClinVar (database versions not stated): TOPMed 0.00008; ESP Exome Variant Server 0.00023; gnomAD exomes 0.00003 and 0.00001; gnomAD 0.00005 and 0.00008; ExAC 0.00003.
gnomAD v4.1: 31 of 1,612,856 alleles (0.0019%); highest among the groups gnomAD compares: African/African-American, 0.019%; no homozygotes.

Submissions (4):

PreventionGenetics, part of Exact Sciences
Classification: Likely benign for HSPD1-related condition. Last evaluated: 2025-09-09. Review status: criteria provided, single submitter. Criteria: ACMG Guidelines, 2015. Collection method: clinical testing. Allele origin: germline.
Comment: This variant is classified as likely benign based on ACMG/AMP sequence variant interpretation guidelines (Richards et al. 2015 PMID: 25741868, with internal and published modifications).

Blueprint Genetics
Classification: Likely benign. Last evaluated: 2024-11-25. Review status: criteria provided, single submitter. Criteria: ACMG Guidelines, 2015. Collection method: clinical testing. Allele origin: germline.

Labcorp Genetics (formerly Invitae), Labcorp
Classification: Likely benign for Spastic paraplegia. Last evaluated: 2022-11-01. Review status: criteria provided, single submitter. Criteria: Invitae Variant Classification Sherloc (09022015). Collection method: clinical testing. Allele origin: germline.

Athena Diagnostics
Classification: Uncertain significance. Last evaluated: 2017-03-01. Review status: criteria provided, single submitter. Criteria: Athena Diagnostics Criteria. Collection method: clinical testing. Allele origin: germline.

NM_002156.5(HSPD1):c.175-7C>T

Gene: HSPD1 (heat shock protein family D (Hsp60) member 1; minus strand). Cytogenetic location: 2q33.1.
Variant type: single nucleotide variant.
Coding change: c.175-7C>T on transcript NM_002156.5 (MANE Select); 7 bases into the intron before coding-DNA position 175, C replaced by T.
Molecular consequence: intron variant.
Genome position (GRCh38, 1-based): chr2:197,497,399, G>A on the plus strand (C>T on the coding strand, the complement: HSPD1 is on the minus strand). VCF-style: chr2-197497399-G-A. GRCh37 (hg19) VCF-style: chr2-198362123-G-A.
Other names: c.175-7C>T (NM_199440.2).
Identifiers: ClinVar variation 447533 (VCV000447533.6), dbSNP rs374694909, ClinGen allele CA2043656.